The following is an entry in ClinVar:

ClinVar aggregate classification (germline): Pathogenic. Review status: reviewed by expert panel (3 of 4 stars). 11 submissions from 11 submitters: Pathogenic (1). 10 of the submissions do not count toward it. Last evaluated 2016-09-08.

Conditions:
BRCA2-related cancer predisposition. Identifiers: MedGen CN377758, MONDO:0700269.
BRCA2-related disorder. Also called: BRCA2-related condition; BRCA2-related disorders. Identifiers: MedGen CN239275.
Hereditary cancer-predisposing syndrome. Also called: Hereditary Cancer Syndrome; Tumor predisposition; Neoplastic Syndromes, Hereditary; Hereditary neoplastic syndrome. Identifiers: Orphanet 140162, MedGen C0027672, MeSH D009386, MONDO:0015356.
Breast-ovarian cancer, familial, susceptibility to, 2 (BROVCA2). Also called: BRCA2 Hereditary Breast and Ovarian Cancer. Identifiers: Orphanet 145, MedGen C2675520, MONDO:0012933, OMIM 612555. Disease mechanism: loss of function.

Allele frequency attached by ClinVar (database versions not stated): gnomAD 0.00001.
gnomAD v4.1: 1 of 1,596,348 alleles (0.000063%); highest among the groups gnomAD compares: Non-Finnish European, 0.000085%; no homozygotes.

Submissions (11):

Evidence-based Network for the Interpretation of Germline Mutant Alleles (ENIGMA)
Classification: Pathogenic for Breast-ovarian cancer, familial, susceptibility to, 2. Last evaluated: 2016-09-08. Review status: reviewed by expert panel. Criteria: ENIGMA BRCA1/2 Classification Criteria (2015). Collection method: curation. Allele origin: germline.
Comment: Variant allele predicted to encode a truncated non-functional protein.

CeGaT Center for Human Genetics Tuebingen
Classification: Pathogenic. Last evaluated: 2026-06-01. Review status: criteria provided, single submitter. Criteria: CeGaT Center For Human Genetics Tuebingen Variant Classification Criteria Version 2. Collection method: clinical testing. Allele origin: germline. Affected: yes. Observed: 2 variant alleles. Not counted in ClinVar's aggregate classification.
Comment: BRCA2: PVS1, PS4, PM2

Color Diagnostics, LLC DBA Color Health
Classification: Pathogenic for Hereditary cancer-predisposing syndrome. Last evaluated: 2025-07-07. Review status: criteria provided, single submitter. Criteria: ACMG Guidelines, 2015. Collection method: clinical testing. Allele origin: germline. Not counted in ClinVar's aggregate classification.
Comment: This variant changes 1 nucleotide in exon 10 of the BRCA2 gene, creating a premature translation stop signal. This variant is expected to result in an absent or non-functional protein product. This variant has been reported in individuals with breast and/or ovarian cancer (PMID: 22798144, 26689913). This variant has not been identified in the general population by the Genome Aggregation Database (gnomAD). Loss of BRCA2 function is a known mechanism of disease. Based on the available evidence, this variant is classified as Pathogenic.

Blueprint Genetics
Classification: Pathogenic for BRCA2-related disorders. Last evaluated: 2022-07-06. Review status: criteria provided, single submitter. Criteria: ACMG Guidelines, 2015. Collection method: clinical testing. Allele origin: germline. Affected: yes. Observed: 1 variant allele. Not counted in ClinVar's aggregate classification.

Ambry Genetics
Classification: Pathogenic for Hereditary cancer-predisposing syndrome. Last evaluated: 2021-12-17. Review status: criteria provided, single submitter. Criteria: Ambry Variant Classification Scheme 2023. Collection method: clinical testing. Allele origin: germline. Not counted in ClinVar's aggregate classification.
Comment: The p.E294* pathogenic mutation (also known as c.880G>T), located in coding exon 9 of the BRCA2 gene, results from a G to T substitution at nucleotide position 880. This changes the amino acid from a glutamic acid to a stop codon within coding exon 9. In addition to the clinical data presented in the literature, this alteration is expected to result in loss of function by premature protein truncation or nonsense-mediated mRNA decay. As such, this alteration is interpreted as a disease-causing mutation.

Quest Diagnostics Nichols Institute San Juan Capistrano
Classification: Pathogenic. Last evaluated: 2021-07-15. Review status: criteria provided, single submitter. Criteria: Quest Diagnostics criteria. Collection method: clinical testing. Allele origin: unknown. Not counted in ClinVar's aggregate classification.
Comment: This nonsense variant causes the premature termination of BRCA2 protein synthesis. In addition, it has been reported in individuals affected with breast and/or ovarian cancer in the published literature (PMID: 21990299 (2011), 22798144 (2012), 28724667 (2017)). Therefore, the variant is classified as pathogenic.

Department of Pathology and Laboratory Medicine, Sinai Health System
Classification: Pathogenic for BRCA2-related cancer predisposition. Last evaluated: 2020-02-14. Review status: criteria provided, single submitter. Criteria: ACMG Guidelines, 2015. Collection method: clinical testing. Allele origin: germline. Affected: no. Not counted in ClinVar's aggregate classification.

GeneDx
Classification: Pathogenic. Last evaluated: 2017-09-22. Review status: criteria provided, single submitter. Criteria: GeneDx Variant Classification (06012015). Collection method: clinical testing. Allele origin: germline. Affected: yes. Not counted in ClinVar's aggregate classification.
Comment: This variant is denoted BRCA2 c.880G>T at the cDNA level and p.Glu294Ter (E294X) at the proteinlevel. The substitution creates a nonsense variant, which changes a Glutamic Acid to a premature stop codon(GAA>TAA), and is predicted to cause loss of normal protein function through either protein truncation or nonsense-mediated mRNA decay. This variant has been reported in association with breast and ovarian cancer (Yang 2011, Kim2012) and is considered pathogenic.

Consortium of Investigators of Modifiers of BRCA1/2 (CIMBA), c/o University of Cambridge
Classification: Pathogenic for Breast-ovarian cancer, familial, susceptibility to, 2. Last evaluated: 2015-10-02. Review status: criteria provided, single submitter. Criteria: CIMBA Mutation Classification guidelines May 2016. Collection method: clinical testing. Allele origin: germline. Not counted in ClinVar's aggregate classification.

Counsyl
Classification: Likely pathogenic for Breast-ovarian cancer, familial 2. Last evaluated: 2014-03-29. Review status: no assertion criteria provided. Collection method: literature only. Allele origin: unknown. Inheritance: Autosomal dominant inheritance. Not counted in ClinVar's aggregate classification.

Sharing Clinical Reports Project (SCRP)
Classification: Pathogenic for Breast-ovarian cancer, familial 2. Last evaluated: 2012-07-05. Review status: no assertion criteria provided. Collection method: clinical testing. Allele origin: germline. Not counted in ClinVar's aggregate classification.

Literature cited by the submitters: PubMed 22798144 (cited by 5 submitters); PubMed 26689913 (cited by Color Diagnostics, LLC DBA Color Health and Ambry Genetics); PubMed 28724667 (cited by Ambry Genetics and Quest Diagnostics Nichols Institute San Juan Capistrano); PubMed 21990299 (cited by Quest Diagnostics Nichols Institute San Juan Capistrano and Counsyl); PubMed 29446198 (cited by Quest Diagnostics Nichols Institute San Juan Capistrano).

NM_000059.4(BRCA2):c.880G>T (p.Glu294Ter)

Gene: BRCA2 (BRCA2 DNA repair associated; plus strand). Cytogenetic location: 13q13.1.
Variant type: single nucleotide variant.
Coding change: c.880G>T on transcript NM_000059.4 (MANE Select); coding-DNA position 880, G replaced by T.
Protein change: p.Glu294Ter; replaces glutamic acid 294 with a stop codon.
Molecular consequence: nonsense.
Genome position (GRCh38, 1-based): chr13:32,332,358, G>T. VCF-style: chr13-32332358-G-T. GRCh37 (hg19) VCF-style: chr13-32906495-G-T.
Other names: 1108G>T; short protein forms E294*.
Identifiers: ClinVar variation 52683 (VCV000052683.24), dbSNP rs397508009, ClinGen allele CA025833.